The following is an entry in ClinVar:

ClinVar aggregate classification (germline): Uncertain significance. Review status: criteria provided, multiple submitters, no conflicts (2 of 4 stars). 2 submissions from 2 submitters: Uncertain significance (2). Last evaluated 2022-03-08.

Conditions:
Hereditary breast ovarian cancer syndrome. Also called: Hereditary breast and ovarian cancer syndrome; Hereditary breast and ovarian cancer; Hereditary breast and ovarian cancer syndrome (HBOC); BRCA1- and BRCA2-Associated Hereditary Breast and Ovarian Cancer; Hereditary breast and/or ovarian cancer syndrome; Breast and ovarian cancer. Identifiers: Orphanet 145, MedGen C0677776, MeSH D061325, MONDO:0003582. Disease mechanism: loss of function.

Submissions (2):

Labcorp Genetics (formerly Invitae), Labcorp
Classification: Uncertain significance for Hereditary breast ovarian cancer syndrome. Last evaluated: 2022-03-08. Review status: criteria provided, single submitter. Criteria: Invitae Variant Classification Sherloc (09022015). Collection method: clinical testing. Allele origin: germline.
Comment: This sequence change replaces serine, which is neutral and polar, with leucine, which is neutral and non-polar, at codon 76 of the BRCA2 protein (p.Ser76Leu). This variant is not present in population databases (gnomAD no frequency). This variant has not been reported in the literature in individuals affected with BRCA2-related conditions. ClinVar contains an entry for this variant (Variation ID: 1330906). Advanced modeling of protein sequence and biophysical properties (such as structural, functional, and spatial information, amino acid conservation, physicochemical variation, residue mobility, and thermodynamic stability) performed at Invitae indicates that this missense variant is not expected to disrupt BRCA2 protein function. In summary, the available evidence is currently insufficient to determine the role of this variant in disease. Therefore, it has been classified as a Variant of Uncertain Significance.

ARUP Laboratories, Molecular Genetics and Genomics, ARUP Laboratories
Classification: Uncertain significance. Last evaluated: 2020-10-30. Review status: criteria provided, single submitter. Criteria: ARUP Molecular Germline Variant Investigation Process 2021. Collection method: clinical testing. Allele origin: germline.
Comment: The BRCA2 c.227C>T; p.Ser76Leu variant, to our knowledge, is not reported in the medical literature or gene-specific databases. This variant is also absent from general population databases (Exome Variant Server, Genome Aggregation Database), indicating it is not a common polymorphism. The serine at codon 76 is highly conserved, but computational analyses are uncertain whether this variant is neutral or deleterious (REVEL: 0.265). Another amino acid substitution at this codon (p.Ser76Pro) has been reported in a family affected with breast cancer, though its clinical significance was uncertain (Hansen 2011). Due to limited information, the clinical significance of the p.Ser76Leu variant is uncertain at this time. References: Hansen TV et al. Screening of 1331 Danish breast and/or ovarian cancer families identified 40 novel BRCA1 and BRCA2 mutations. Fam Cancer. 2011 Jun;10(2):207-12.

NM_000059.4(BRCA2):c.227C>T (p.Ser76Leu)

Gene: BRCA2 (BRCA2 DNA repair associated; plus strand). Cytogenetic location: 13q13.1.
Variant type: single nucleotide variant.
Coding change: c.227C>T on transcript NM_000059.4 (MANE Select); coding-DNA position 227, C replaced by T.
Protein change: p.Ser76Leu; replaces serine 76 with leucine.
Molecular consequence: missense variant.
Genome position (GRCh38, 1-based): chr13:32,319,236, C>T. VCF-style: chr13-32319236-C-T. GRCh37 (hg19) VCF-style: chr13-32893373-C-T.
Other names: short protein forms S76L.
Identifiers: ClinVar variation 1330906 (VCV001330906.12), dbSNP rs80358498, ClinGen allele CA387754486.
Genomic context (GRCh38, chr13:32,319,236, plus strand): 5'-ATTACGAACCAAACCTATTTAAAACTCCACAAAGGAAACCATCTTATAATCAGCTGGCTT[C>T]AACTCCAATAATATTCAAAGAGCAAGGGCTGACTCTGCCGCTGTACCAATCTCCTGTAAA-3'
Protein context (NP_000050.3, residues 66-86): QRKPSYNQLA[Ser76Leu]TPIIFKEQGL